The following is an entry in ClinVar:

ClinVar aggregate classification (germline): Likely pathogenic. Review status: criteria provided, multiple submitters, no conflicts (2 of 4 stars). 2 submissions from 2 submitters: Likely pathogenic (2). Last evaluated 2024-03-23.

Conditions:
Bloom syndrome (BLM). Also called: Bloom-Torre-Machacek syndrome. Identifiers: Orphanet 125, MedGen C0005859, MONDO:0008876, OMIM 210900.
Hereditary cancer-predisposing syndrome. Also called: Tumor predisposition; Hereditary neoplastic syndrome; Hereditary Cancer Syndrome; Neoplastic Syndromes, Hereditary. Identifiers: Orphanet 140162, MedGen C0027672, MeSH D009386, MONDO:0015356.

Submissions (2):

Fulgent Genetics
Classification: Likely pathogenic for Bloom syndrome. Last evaluated: 2024-03-23. Review status: criteria provided, single submitter. Criteria: ACMG Guidelines, 2015. Collection method: clinical testing. Allele origin: germline.

Ambry Genetics
Classification: Likely pathogenic for Hereditary cancer-predisposing syndrome. Last evaluated: 2023-12-20. Review status: criteria provided, single submitter. Criteria: Ambry Variant Classification Scheme 2023. Collection method: clinical testing. Allele origin: germline.
Comment: The p.D1064V variant (also known as c.3191A>T), located in coding exon 15 of the BLM gene, results from an A to T substitution at nucleotide position 3191. The aspartic acid at codon 1064 is replaced by valine, an amino acid with highly dissimilar properties. This variant has been identified likely in trans with a BLM pathogenic variant in an individual diagnosed with Bloom syndrome (German J et al. Hum Mutat, 2007 Aug;28:743-53). Functional studies suggest that this variant causes sensitivity to DNA damaging agents (Mirzaei H et al. Proc Natl Acad Sci U S A, 2012 Nov;109:19357-62). This amino acid position is highly conserved in available vertebrate species. In addition, this alteration is predicted to be deleterious by in silico analysis. Based on the majority of available evidence to date, this variant is likely to be pathogenic.

Literature cited by the submitters: PubMed 17407155 (cited by Ambry Genetics); PubMed 23129629 (cited by Ambry Genetics).

NM_000057.4(BLM):c.3191A>T (p.Asp1064Val)

Gene: BLM (BLM RecQ like helicase; plus strand). Cytogenetic location: 15q26.1.
Variant type: single nucleotide variant.
Coding change: c.3191A>T on transcript NM_000057.4 (MANE Select); coding-DNA position 3191, A replaced by T.
Protein change: p.Asp1064Val; replaces aspartic acid 1064 with valine.
Molecular consequence: missense variant.
Genome position (GRCh38, 1-based): chr15:90,794,338, A>T. VCF-style: chr15-90794338-A-T. GRCh37 (hg19) VCF-style: chr15-91337568-A-T.
Other names: c.3191A>T (LRG_20t1); c.3191A>T, p.Asp1064Val (NM_001287246.2, NM_001287247.2); c.2066A>T, p.Asp689Val (NM_001287248.2); short protein forms D1064V, D689V.
Identifiers: ClinVar variation 3224403 (VCV003224403.2), dbSNP rs367543032, ClinGen allele CA344522.